The following is an entry in ClinVar:

ClinVar aggregate classification (germline): Benign (0 of 4 stars; one submission).

Conditions:
MARCHF10-related disorder. Also called: MARCHF10-related condition.

Allele frequency attached by ClinVar (database versions not stated): gnomAD exomes 0.00060; ExAC 0.00208; 1000 Genomes Project 0.00439; 1000 Genomes Project 30x 0.00515; gnomAD 0.00587; TOPMed 0.00660; ESP Exome Variant Server 0.00661.
gnomAD v4.1: 1,813 of 1,606,550 alleles (0.11%); highest among the groups gnomAD compares: African/African-American, 2%; 12 homozygotes.

Submission:

PreventionGenetics, part of Exact Sciences
Classification: Benign for MARCHF10-related condition. Last evaluated: 2019-02-22. Review status: no assertion criteria provided. Collection method: clinical testing. Allele origin: germline.
Comment: This variant is classified as benign based on ACMG/AMP sequence variant interpretation guidelines (Richards et al. 2015 PMID: 25741868, with internal and published modifications).

NM_152598.4(MARCHF10):c.1985G>A (p.Cys662Tyr)

Genes: MARCHF10 (membrane associated ring-CH-type finger 10; minus strand), MARCHF10-AS1 (MARCHF10 antisense RNA 1; plus strand). Cytogenetic location: 17q23.2.
Variant type: single nucleotide variant.
Coding change: c.1985G>A on transcript NM_152598.4 (MANE Select); coding-DNA position 1985, G replaced by A.
Protein change: p.Cys662Tyr; replaces cysteine 662 with tyrosine.
Molecular consequence: missense variant.
Genome position (GRCh38, 1-based): chr17:62,725,057, C>T on the plus strand (G>A on the coding strand, the complement: MARCHF10 is on the minus strand). VCF-style: chr17-62725057-C-T. GRCh37 (hg19) VCF-style: chr17-60802418-C-T.
Other names: c.1985G>A, p.Cys662Tyr (NM_001100875.3); c.2099G>A, p.Cys700Tyr (NM_001288779.2); c.1982G>A, p.Cys661Tyr (NM_001288780.2); short protein forms C661Y, C662Y, C700Y.
Identifiers: ClinVar variation 3053092 (VCV003053092.2), dbSNP rs80285368, ClinGen allele CA8696697.